The following is an entry in ClinVar:

NM_001369369.1(FOXN1):c.124-20G>A

Gene: FOXN1 (forkhead box N1; plus strand). Cytogenetic location: 17q11.2.
Variant type: single nucleotide variant.
Coding change: c.124-20G>A on transcript NM_001369369.1 (MANE Select); 20 bases into the intron before coding-DNA position 124, G replaced by A.
Molecular consequence: intron variant.
Genome position (GRCh38, 1-based): chr17:28,524,483, G>A. VCF-style: chr17-28524483-G-A. GRCh37 (hg19) VCF-style: chr17-26851501-G-A.
Other names: c.124-20G>A (NM_003593.3).
Identifiers: ClinVar variation 379390 (VCV000379390.15), dbSNP rs614434, ClinGen allele CA8459150.
Genomic context (GRCh38, chr17:28,524,483, plus strand): 5'-CAGAACAGAGTAGGGTCCCAGCCAGTCCCCAGGCCTGGTTCAGCCTCCACTCACAGGCTC[G>A]CTACTCTCTGTCTACCCAGAAGCATGCCGGCTTCAGCTGCTCGTCATTTGTGTCCGACGG-3'

ClinVar aggregate classification (germline): Benign. Review status: criteria provided, multiple submitters, no conflicts (2 of 4 stars). 6 submissions from 6 submitters: Benign (5). 1 of the submissions does not count toward it. Last evaluated 2026-02-04.

Conditions:
FOXN1-related disorder. Also called: FOXN1-related condition.
T-cell immunodeficiency, congenital alopecia, and nail dystrophy. Also called: Congenital alopecia and nail dystrophy associated with severe functional T-cell immunodeficiency; Pignata Guarino syndrome. Identifiers: Orphanet 169095, MedGen C1866426, MONDO:0011132, OMIM 601705.

Allele frequency attached by ClinVar (database versions not stated): ESP Exome Variant Server 0.63025; gnomAD 0.64317 and 0.64955; TOPMed 0.64464; 1000 Genomes Project 30x 0.64538; 1000 Genomes Project 0.65076; ExAC 0.71492; gnomAD exomes 0.72110 and 0.72569.
gnomAD v4.1: 1,148,797 of 1,609,314 alleles (71%); highest among the groups gnomAD compares: East Asian, 87%; 415,766 homozygotes.

Submissions (6):

Labcorp Genetics (formerly Invitae), Labcorp
Classification: Benign for T-cell immunodeficiency, congenital alopecia, and nail dystrophy. Last evaluated: 2026-02-04. Review status: criteria provided, single submitter. Criteria: Invitae Variant Classification Sherloc (09022015). Collection method: clinical testing. Allele origin: germline.

Unidad de Genómica Garrahan, Hospital de Pediatría Garrahan
Classification: Benign. Last evaluated: 2024-01-24. Review status: criteria provided, single submitter. Criteria: ACMG Guidelines, 2015. Collection method: clinical testing. Allele origin: germline. Affected: no. Observed: 94 variant alleles.
Comment: This variant is classified as Benign based on local population frequency. This variant was detected in 99% of patients studied by a panel of primary immunodeficiencies. Number of patients: 94. Only high quality variants are reported.

Genome-Nilou Lab
Classification: Benign for T-cell immunodeficiency, congenital alopecia, and nail dystrophy. Last evaluated: 2021-08-10. Review status: criteria provided, single submitter. Criteria: ACMG Guidelines, 2015. Collection method: clinical testing. Allele origin: germline. Affected: no.

GeneDx
Classification: Benign. Last evaluated: 2015-10-19. Review status: criteria provided, single submitter. Criteria: GeneDx Variant Classification (06012015). Collection method: clinical testing. Allele origin: germline. Affected: yes.
Comment: This variant is considered likely benign or benign based on one or more of the following criteria: it is a conservative change, it occurs at a poorly conserved position in the protein, it is predicted to be benign by multiple in silico algorithms, and/or has population frequency not consistent with disease.

Breakthrough Genomics
Classification: Benign. Review status: criteria provided, single submitter. Criteria: ACMG Guidelines, 2015. Collection method: not provided. Allele origin: germline. Inheritance: Autosomal recessive inheritance. Affected: yes.

PreventionGenetics, part of Exact Sciences
Classification: Benign for FOXN1-related condition. Last evaluated: 2023-11-21. Review status: no assertion criteria provided. Collection method: clinical testing. Allele origin: germline. Not counted in ClinVar's aggregate classification.
Comment: This variant is classified as benign based on ACMG/AMP sequence variant interpretation guidelines (Richards et al. 2015 PMID: 25741868, with internal and published modifications).